The following is an entry in ClinVar:

ClinVar aggregate classification (germline): Conflicting classifications of pathogenicity. Review status: criteria provided, conflicting classifications (1 of 4 stars). 4 submissions from 4 submitters: Pathogenic (1); Uncertain significance (3). Last evaluated 2025-02-16.

Conditions:
Lymphatic malformation 6 (LMPHM6). Also called: PIEZO1-related generalized lymphatic dysplasia with non-immune hydrops fetalis; GENERALIZED LYMPHATIC DYSPLASIA OF FOTIOU; Lymphedema, hereditary, III. Identifiers: Orphanet 568062, MedGen C4225184, MONDO:0014797, OMIM 616843.

Allele frequency attached by ClinVar (database versions not stated): 1000 Genomes Project 30x 0.00016.

Submissions (4):

Laboratory of Genetics, Children's Clinical University Hospital Latvia
Classification: Pathogenic. Last evaluated: 2025-02-16. Review status: criteria provided, single submitter. Criteria: ACMG Guidelines, 2015. Collection method: clinical testing. Allele origin: germline. Affected: yes.

Labcorp Genetics (formerly Invitae), Labcorp
Classification: Uncertain significance. Last evaluated: 2024-09-11. Review status: criteria provided, single submitter. Criteria: Invitae Variant Classification Sherloc (09022015). Collection method: clinical testing. Allele origin: germline.
Comment: This sequence change replaces arginine, which is basic and polar, with cysteine, which is neutral and slightly polar, at codon 1797 of the PIEZO1 protein (p.Arg1797Cys). This variant is present in population databases (rs561936787, gnomAD 0.01%). This missense change has been observed in individual(s) with clinical features of dehydrated hereditary stomatocytosis (PMID: 29396846, 29786897, 36595486). ClinVar contains an entry for this variant (Variation ID: 2152266). Invitae Evidence Modeling of protein sequence and biophysical properties (such as structural, functional, and spatial information, amino acid conservation, physicochemical variation, residue mobility, and thermodynamic stability) indicates that this missense variant is expected to disrupt PIEZO1 protein function with a positive predictive value of 80%. In summary, the available evidence is currently insufficient to determine the role of this variant in disease. Therefore, it has been classified as a Variant of Uncertain Significance.

Clinical Genomics Laboratory, Washington University in St. Louis
Classification: Uncertain significance for Lymphatic malformation 6. Last evaluated: 2023-12-08. Review status: criteria provided, single submitter. Criteria: ACMG Guidelines, 2015. Collection method: clinical testing. Allele origin: germline.
Comment: The PIEZO1 c.5389C>T (p.Arg1797Cys) variant was identified at a near heterozygous allelic fraction of 48.56%, a frequency which may be consistent with it being of germline origin. This variant, to our knowledge, has not been reported in association with vascular malformation; however, this variant is observed in individuals affected by hereditary anemias (Andolfo I et al., PMID: 30187933; Russo R et al., PMID: 29396846). This variant has been reported in the ClinVar database as a likely pathogenic germline variant by one submitter (ClinVar ID: 2152266). This variant is observed on 105/1,549,456 alleles in the general population (gnomAD v.4.0.0), indicating it is not a common variant. Computational predictors indicate that the variant is damaging, evidence that may correlate with impact to PIEZO1 function. Due to limited information, and based on ACMG/AMP guidelines for variant interpretation (Richards S et al., PMID: 25741868), the clinical significance of this variant is uncertain at this time.

ARUP Laboratories, Molecular Genetics and Genomics, ARUP Laboratories
Classification: Uncertain significance. Last evaluated: 2023-08-10. Review status: criteria provided, single submitter. Criteria: ARUP Molecular Germline Variant Investigation Process 2024. Collection method: clinical testing. Allele origin: germline.

Literature cited by the submitters: PubMed 29396846 (cited by Labcorp Genetics (formerly Invitae), Labcorp); PubMed 29786897 (cited by Labcorp Genetics (formerly Invitae), Labcorp); PubMed 36595486 (cited by Labcorp Genetics (formerly Invitae), Labcorp).

NM_001142864.4(PIEZO1):c.5389C>T (p.Arg1797Cys)

Gene: PIEZO1 (piezo type mechanosensitive ion channel component 1 (Er blood group); minus strand). Cytogenetic location: 16q24.3.
Variant type: single nucleotide variant.
Coding change: c.5389C>T on transcript NM_001142864.4 (MANE Select); coding-DNA position 5389, C replaced by T.
Protein change: p.Arg1797Cys; replaces arginine 1797 with cysteine.
Molecular consequence: missense variant.
Genome position (GRCh38, 1-based): chr16:88,721,552, G>A on the plus strand (C>T on the coding strand, the complement: PIEZO1 is on the minus strand). VCF-style: chr16-88721552-G-A. GRCh37 (hg19) VCF-style: chr16-88787960-G-A.
Other names: c.3931C>T, p.Arg1311Cys (NM_014745.1); short protein forms R1311C, R1797C.
Identifiers: ClinVar variation 2152266 (VCV002152266.6), dbSNP rs561936787, ClinGen allele CA8231899.
Genomic context (GRCh38, chr16:88,721,552, plus strand): 5'-AGAGGGCCTGCCCAGCCCCGCATTGCCAGCCAAGGCTCACACTCACCAGCAGCTGGGAGC[G>A]GTGGAAGAAAAGGGCCATGAGCTGCACCAGGTCGTACTTGATGTAGCCGTCAGTCTTCTC-3'
Protein context (NP_001136336.2, residues 1787-1807): LVQLMALFFH[Arg1797Cys]SQLLCYGLWD